The following is an entry in ClinVar:

NM_030625.3(TET1):c.260C>G (p.Thr87Ser)

Gene: TET1 (tet methylcytosine dioxygenase 1; plus strand). Cytogenetic location: 10q21.3.
Variant type: single nucleotide variant.
Coding change: c.260C>G on transcript NM_030625.3 (MANE Select); coding-DNA position 260, C replaced by G.
Protein change: p.Thr87Ser; replaces threonine 87 with serine.
Molecular consequence: missense variant.
Genome position (GRCh38, 1-based): chr10:68,572,598, C>G. VCF-style: chr10-68572598-C-G. GRCh37 (hg19) VCF-style: chr10-70332355-C-G.
Other names: NC_000010.10:g.70332355C>G; c.260C>G, p.Thr87Ser (NM_001406365.1, NM_001406373.1, NM_001406374.1); short protein forms T87S.
Identifiers: ClinVar variation 3043946 (VCV003043946.3), dbSNP rs140677396, ClinGen allele CA5525891.

ClinVar aggregate classification (germline): Likely benign (0 of 4 stars; one submission).

Conditions:
TET1-related disorder. Also called: TET1-related condition.

Allele frequency attached by ClinVar (database versions not stated): 1000 Genomes Project 30x 0.00047; 1000 Genomes Project 0.00060; TOPMed 0.00090; ESP Exome Variant Server 0.00108; gnomAD exomes 0.00126; gnomAD 0.00132; ExAC 0.00139.
gnomAD v4.1: 1,997 of 1,614,172 alleles (0.12%); highest among the groups gnomAD compares: Non-Finnish European, 0.15%; 6 homozygotes.

Submissions (4):

PreventionGenetics, part of Exact Sciences
Classification: Likely benign for TET1-related condition. Last evaluated: 2022-02-03. Review status: no assertion criteria provided. Collection method: clinical testing. Allele origin: germline.
Comment: This variant is classified as likely benign based on ACMG/AMP sequence variant interpretation guidelines (Richards et al. 2015 PMID: 25741868, with internal and published modifications).

Dr. Peter K. Rogan Lab, Western University
No classification provided (evidence only). Condition: Melanoma. Review status: no classification provided. Collection method: in vitro. Allele origin: not applicable. Functional consequence: retained intron. Not counted in ClinVar's aggregate classification.

Dr. Peter K. Rogan Lab, Western University
No classification provided (evidence only). Condition: Nonpapillary renal cell carcinoma. Review status: no classification provided. Collection method: in vitro. Allele origin: not applicable. Functional consequence: retained intron. Not counted in ClinVar's aggregate classification.

Dr. Peter K. Rogan Lab, Western University
No classification provided (evidence only). Condition: Thymoma. Review status: no classification provided. Collection method: in vitro. Allele origin: not applicable. Functional consequence: retained intron. Not counted in ClinVar's aggregate classification.